The following is an entry in ClinVar:

ClinVar aggregate classification (germline): Uncertain significance (1 of 4 stars; one submission).

Conditions:
Developmental and epileptic encephalopathy 96. Identifiers: MedGen C5543446, MONDO:0023659, OMIM 619340.

Submission:

3billion
Classification: Uncertain significance for Developmental and epileptic encephalopathy 96. Last evaluated: 2021-10-25. Review status: criteria provided, single submitter. Criteria: ACMG Guidelines, 2015. Collection method: clinical testing. Allele origin: unknown. Affected: yes. Observed: 1 heterozygote.
Comment: This is not observed in the gnomAD v2.1.1 dataset (PM2). In silico tool predictions suggest damaging effect of the variant on gene or gene product (3Cnet: 0.878, PP3). Therefore, this variant is classified as uncertain significance according to the recommendation of ACMG/AMP guideline.

NM_006178.4(NSF):c.1359G>A (p.Met453Ile)

Genes: LRRC37A2 (leucine rich repeat containing 37 member A2), NSF (N-ethylmaleimide sensitive factor, vesicle fusing ATPase; plus strand). Cytogenetic location: 17q21.31.
Variant type: single nucleotide variant.
Coding change: c.1359G>A on transcript NM_006178.4 (MANE Select); coding-DNA position 1359, G replaced by A.
Protein change: p.Met453Ile; replaces methionine 453 with isoleucine.
Molecular consequence: missense variant. On other transcripts: non-coding transcript variant (1).
Genome position (GRCh38, 1-based): chr17:46,694,647, G>A. VCF-style: chr17-46694647-G-A. GRCh37 (hg19) VCF-style: chr17-44772013-G-A.
Other names: short protein forms M453I.
Identifiers: ClinVar variation 1321305 (VCV001321305.1), dbSNP rs2146234924, ClinGen allele CA399985892.
Genomic context (GRCh38, chr17:46,694,647, plus strand): 5'-CAAGAATTTCAGTGGTGCTGAATTGGAGGGTCTGGTGCGAGCAGCCCAGTCCACTGCTAT[G>A]AATAGACACATAAAGGTCAGGAAAATCAGCTAAACAGATTATAAACATTATGCCAGTATT-3'
Protein context (NP_006169.2, residues 443-463): GLVRAAQSTA[Met453Ile]NRHIKASTKV